The following is an entry in ClinVar:

NM_018206.6(VPS35):c.1538C>A (p.Ala513Glu)

Gene: VPS35 (VPS35 retromer complex component; minus strand). Cytogenetic location: 16q11.2.
Variant type: single nucleotide variant.
Coding change: c.1538C>A on transcript NM_018206.6 (MANE Select); coding-DNA position 1538, C replaced by A.
Protein change: p.Ala513Glu; replaces alanine 513 with glutamic acid.
Molecular consequence: missense variant.
Genome position (GRCh38, 1-based): chr16:46,669,039, G>T on the plus strand (C>A on the coding strand, the complement: VPS35 is on the minus strand). VCF-style: chr16-46669039-G-T. GRCh37 (hg19) VCF-style: chr16-46702951-G-T.
Other names: short protein forms A513E.
Identifiers: ClinVar variation 1946516 (VCV001946516.5), dbSNP rs2548878138, ClinGen allele CA395806344.

ClinVar aggregate classification (germline): Uncertain significance (1 of 4 stars; one submission).

Conditions:
Parkinson disease 17 (PARK17). Also called: VPS35-Related Parkinson Disease. Identifiers: Orphanet 411602, MedGen C3280133, MONDO:0013625, OMIM 614203.

Allele frequency attached by ClinVar (database versions not stated): gnomAD exomes below 0.00001.
gnomAD v4.1: 2 of 1,614,080 alleles (0.00012%); highest among the groups gnomAD compares: Non-Finnish European, 0.00017%; no homozygotes.

Submission:

Labcorp Genetics (formerly Invitae), Labcorp
Classification: Uncertain significance for Parkinson disease 17. Last evaluated: 2022-10-17. Review status: criteria provided, single submitter. Criteria: Invitae Variant Classification Sherloc (09022015). Collection method: clinical testing. Allele origin: germline.
Comment: This sequence change replaces alanine, which is neutral and non-polar, with glutamic acid, which is acidic and polar, at codon 513 of the VPS35 protein (p.Ala513Glu). This variant is not present in population databases (gnomAD no frequency). This variant has not been reported in the literature in individuals affected with VPS35-related conditions. Advanced modeling of protein sequence and biophysical properties (such as structural, functional, and spatial information, amino acid conservation, physicochemical variation, residue mobility, and thermodynamic stability) performed at Invitae indicates that this missense variant is expected to disrupt VPS35 protein function. In summary, the available evidence is currently insufficient to determine the role of this variant in disease. Therefore, it has been classified as a Variant of Uncertain Significance.